The following is an entry in ClinVar:

ClinVar aggregate classification (germline): Uncertain significance. Review status: criteria provided, multiple submitters, no conflicts (2 of 4 stars). 2 submissions from 2 submitters: Uncertain significance (2). Last evaluated 2026-03-27.

Submissions (2):

GeneDx
Classification: Uncertain significance. Last evaluated: 2026-03-27. Review status: criteria provided, single submitter. Criteria: GeneDx Variant Classification Process June 2021. Collection method: clinical testing. Allele origin: germline.
Comment: Has not been previously published as pathogenic or benign to our knowledge; Not observed at a significant frequency in large population cohorts (gnomAD); In-frame insertion of 3 amino acids in a non-repeat region

Labcorp Genetics (formerly Invitae), Labcorp
Classification: Uncertain significance. Last evaluated: 2025-08-17. Review status: criteria provided, single submitter. Criteria: Invitae Variant Classification Sherloc (09022015). Collection method: clinical testing. Allele origin: germline.
Comment: This variant, c.1888_1896dup, results in the insertion of 3 amino acid(s) of the COL9A3 protein (p.Ser630_Asp632dup), but otherwise preserves the integrity of the reading frame. This variant is present in population databases (rs756351281, gnomAD 0.0009%). This variant has not been reported in the literature in individuals affected with COL9A3-related conditions. ClinVar contains an entry for this variant (Variation ID: 2986440). In summary, the available evidence is currently insufficient to determine the role of this variant in disease. Therefore, it has been classified as a Variant of Uncertain Significance.

NM_001853.4(COL9A3):c.1888_1896dup (p.Asp632_Gly633insSerLysAsp)

Gene: COL9A3 (collagen type IX alpha 3 chain; plus strand). Cytogenetic location: 20q13.33.
Variant type: Duplication.
Coding change: c.1888_1896dup on transcript NM_001853.4 (MANE Select); coding-DNA positions 1888 to 1896, 9 bases duplicated (AGCAAGGAC; older notation c.1888_1896dupAGCAAGGAC).
Protein change: p.Asp632_Gly633insSerLysAsp.
Molecular consequence: inframe insertion.
Genome position (GRCh38, 1-based): chr20:62,840,565-62,840,573, AGCAAGGAC duplicated; duplicating any 9 consecutive bases within chr20:62,840,564-62,840,573 gives the same sequence; the c. name uses the placement nearest the transcript's 3' end. VCF-style (leftmost placement, unchanged base first): chr20-62840563-C-CCAGCAAGGA. GRCh37 (hg19) VCF-style: chr20-61471915-C-CCAGCAAGGA.
Other names: c.1888_1896dup (NM_001853.3).
Identifiers: ClinVar variation 2986440 (VCV002986440.4), dbSNP rs756351281, ClinGen allele CA9950250.